The following is an entry in ClinVar:

NM_001377.3(DYNC2H1):c.5176C>T (p.Arg1726Ter)

Gene: DYNC2H1 (dynein cytoplasmic 2 heavy chain 1; plus strand). Cytogenetic location: 11q22.3.
Variant type: single nucleotide variant.
Coding change: c.5176C>T on transcript NM_001377.3 (MANE Select); coding-DNA position 5176, C replaced by T.
Protein change: p.Arg1726Ter; replaces arginine 1726 with a stop codon.
Molecular consequence: nonsense.
Genome position (GRCh38, 1-based): chr11:103,170,910, C>T. VCF-style: chr11-103170910-C-T. GRCh37 (hg19) VCF-style: chr11-103041639-C-T.
Other names: c.5176C>T, p.Arg1726Ter (NM_001080463.2); short protein forms R1726*.
Identifiers: ClinVar variation 1031037 (VCV001031037.6), dbSNP rs772321133, ClinGen allele CA227398391.

ClinVar aggregate classification (germline): Pathogenic. Review status: criteria provided, multiple submitters, no conflicts (2 of 4 stars). 6 submissions from 6 submitters: Pathogenic (6). Last evaluated 2025-07-16.

Conditions:
Asphyxiating thoracic dystrophy 3. Also called: POLYDACTYLY WITH NEONATAL CHONDRODYSTROPHY, TYPE I; SHORT-RIB THORACIC DYSPLASIA 3/6 WITH POLYDACTYLY, DIGENIC; SHORT-RIB THORACIC DYSPLASIA 3 WITH OR WITHOUT POLYDACTYLY; Short rib polydactyly syndrome 2B; Saldino-Noonan Syndrome. Identifiers: Orphanet 474, Orphanet 93269, Orphanet 93270, Orphanet 93271, MedGen C0036069, MONDO:0013127, OMIM 613091.
Jeune thoracic dystrophy. Also called: Short-rib thoracic dysplasia; Jeune syndrome; Infantile thoracic dystrophy; Thoracic pelvic phalangeal dystrophy; Jeune's syndrome; Chondroectodermal dysplasia-like syndrome. Identifiers: Orphanet 474, MedGen C0265275, MONDO:0018770.

Allele frequency attached by ClinVar (database versions not stated): gnomAD 0.00002 and 0.00001; TOPMed 0.00003.
gnomAD v4.1: 22 of 1,570,986 alleles (0.0014%); highest among the groups gnomAD compares: Admixed American, 0.0035%; no homozygotes.

Submissions (6):

Variantyx, Inc.
Classification: Pathogenic for Asphyxiating thoracic dystrophy 3. Last evaluated: 2025-07-16. Review status: criteria provided, single submitter. Criteria: Variantyx Assertion Criteria 2022. Collection method: clinical testing. Allele origin: germline. Inheritance: Autosomal recessive inheritance.
Comment: This is a nonsense variant in the DYNC2H1 gene (OMIM: 603297). Pathogenic variants in this gene have been associated with autosomal recessive short-rib thoracic dysplasia 3 with or without polydactyly. This variant introduces a premature termination codon in exon 34 out of 89 and is expected to result in loss of function, which is a known disease mechanism for DYNC2H1 in this disorder (PMID: 23339108, 19361615, 19442771) (PVS1). It has a 0.0035% maximum allele frequency in non-founder control populations (PM2). Based on the current evidence, this variant is classified as pathogenic for autosomal recessive short-rib thoracic dysplasia 3 with or without polydactyly.

Labcorp Genetics (formerly Invitae), Labcorp
Classification: Pathogenic for Jeune thoracic dystrophy. Last evaluated: 2024-12-16. Review status: criteria provided, single submitter. Criteria: Invitae Variant Classification Sherloc (09022015). Collection method: clinical testing. Allele origin: germline.
Comment: This sequence change creates a premature translational stop signal (p.Arg1726*) in the DYNC2H1 gene. It is expected to result in an absent or disrupted protein product. Loss-of-function variants in DYNC2H1 are known to be pathogenic (PMID: 23339108, 32753734, 33755199). This variant is present in population databases (no rsID available, gnomAD 0.009%). This premature translational stop signal has been observed in individual(s) with clinical features of short-rib thoracic dysplasia with or without polydactyly (PMID: 23339108). ClinVar contains an entry for this variant (Variation ID: 1031037). For these reasons, this variant has been classified as Pathogenic.

Myriad Genetics, Inc.
Classification: Pathogenic for Asphyxiating thoracic dystrophy 3. Last evaluated: 2024-04-22. Review status: criteria provided, single submitter. Criteria: Myriad Autosomal Dominant, Autosomal Recessive and X-Linked Classification Criteria (2023). Collection method: clinical testing. Allele origin: unknown.
Comment: NM_001377.2(DYNC2H1):c.5176C>T(R1726*) is expected to be pathogenic in the context of DYNC2H1-related disorders. This variant is predicted to lead to an abnormal or absent protein product due to the creation of a premature termination codon in DYNC2H1, a gene where loss-of-function variants are known to be pathogenic. Please note: this variant was assessed in the context of healthy population screening.

Fulgent Genetics
Classification: Pathogenic for Asphyxiating thoracic dystrophy 3. Last evaluated: 2024-03-11. Review status: criteria provided, single submitter. Criteria: ACMG Guidelines, 2015. Collection method: clinical testing. Allele origin: germline.

GeneDx
Classification: Pathogenic. Last evaluated: 2023-02-16. Review status: criteria provided, single submitter. Criteria: GeneDx Variant Classification Process June 2021. Collection method: clinical testing. Allele origin: germline. Affected: yes.
Comment: Nonsense variant predicted to result in protein truncation or nonsense mediated decay in a gene for which loss of function is a known mechanism of disease; Not observed at significant frequency in large population cohorts (gnomAD); This variant is associated with the following publications: (PMID: 23339108)

Baylor Genetics
Classification: Pathogenic for Asphyxiating thoracic dystrophy 3. Last evaluated: 2019-12-06. Review status: criteria provided, single submitter. Criteria: ACMG Guidelines, 2015. Collection method: clinical testing. Allele origin: de novo. Affected: yes.
Comment: This variant was determined to be pathogenic according to ACMG Guidelines, 2015 [PMID:25741868].

Literature cited by the submitters: PubMed 23339108 (cited by Variantyx, Inc. and Labcorp Genetics (formerly Invitae), Labcorp); PubMed 19361615 (cited by Variantyx, Inc.); PubMed 19442771 (cited by Variantyx, Inc.); PubMed 32753734 (cited by Labcorp Genetics (formerly Invitae), Labcorp); PubMed 33755199 (cited by Labcorp Genetics (formerly Invitae), Labcorp).